The following is an entry in ClinVar:

NM_000188.3(HK1):c.1261C>T (p.Pro421Ser)

Gene: HK1 (hexokinase 1; plus strand). Cytogenetic location: 10q22.1.
Variant type: single nucleotide variant.
Coding change: c.1261C>T on transcript NM_000188.3 (MANE Select); coding-DNA position 1261, C replaced by T.
Protein change: p.Pro421Ser; replaces proline 421 with serine.
Molecular consequence: missense variant.
Genome position (GRCh38, 1-based): chr10:69,380,091, C>T. VCF-style: chr10-69380091-C-T. GRCh37 (hg19) VCF-style: chr10-71139847-C-T.
Other names: c.1273C>T, p.Pro425Ser (NM_001322364.2, NM_001358263.1, NM_033497.3 and 1 more transcripts); c.1366C>T, p.Pro456Ser (NM_001322365.2); c.1177C>T, p.Pro393Ser (NM_001322366.1); c.1165C>T, p.Pro389Ser (NM_001322367.1); c.1258C>T, p.Pro420Ser (NM_033496.3); c.1225C>T, p.Pro409Ser (NM_033500.2); short protein forms P393S, P421S, P420S, P456S, P409S, P389S, P425S.
Identifiers: ClinVar variation 2765478 (VCV002765478.3), dbSNP rs2540411901, ClinGen allele CA376917834.

ClinVar aggregate classification (germline): Uncertain significance (1 of 4 stars; one submission).

Allele frequency attached by ClinVar (database versions not stated): gnomAD exomes below 0.00001.
gnomAD v4.1: 1 of 1,609,822 alleles (0.000062%); highest among the groups gnomAD compares: Non-Finnish European, 0.000085%; no homozygotes.

Submission:

Labcorp Genetics (formerly Invitae), Labcorp
Classification: Uncertain significance. Last evaluated: 2024-03-12. Review status: criteria provided, single submitter. Criteria: Invitae Variant Classification Sherloc (09022015). Collection method: clinical testing. Allele origin: germline.
Comment: This sequence change replaces proline, which is neutral and non-polar, with serine, which is neutral and polar, at codon 421 of the HK1 protein (p.Pro421Ser). This variant is not present in population databases (gnomAD no frequency). This variant has not been reported in the literature in individuals affected with HK1-related conditions. Advanced modeling of protein sequence and biophysical properties (such as structural, functional, and spatial information, amino acid conservation, physicochemical variation, residue mobility, and thermodynamic stability) performed at Invitae indicates that this missense variant is not expected to disrupt HK1 protein function with a negative predictive value of 80%. In summary, the available evidence is currently insufficient to determine the role of this variant in disease. Therefore, it has been classified as a Variant of Uncertain Significance.